The following is an entry in ClinVar:

ClinVar aggregate classification (germline): Uncertain significance. Review status: criteria provided, multiple submitters, no conflicts (2 of 4 stars). 2 submissions from 2 submitters: Uncertain significance (2). Last evaluated 2025-09-08.

Conditions:
Emery-Dreifuss muscular dystrophy 5, autosomal dominant (EDMD5). Also called: EMERY-DREIFUSS MUSCULAR DYSTROPHY 5. Identifiers: Orphanet 261, MedGen C2751805, MONDO:0013072, OMIM 612999.

Allele frequency attached by ClinVar (database versions not stated): gnomAD exomes below 0.00001; ExAC 0.00001; TOPMed 0.00001; gnomAD 0.00004; 1000 Genomes Project 0.00020; 1000 Genomes Project 30x 0.00031.
gnomAD v4.1: 10 of 1,614,144 alleles (0.00062%); highest among the groups gnomAD compares: African/African-American, 0.012%; no homozygotes.

Submissions (2):

Labcorp Genetics (formerly Invitae), Labcorp
Classification: Uncertain significance for Emery-Dreifuss muscular dystrophy 5, autosomal dominant. Last evaluated: 2025-09-08. Review status: criteria provided, single submitter. Criteria: Invitae Variant Classification Sherloc (09022015). Collection method: clinical testing. Allele origin: germline.
Comment: This sequence change replaces leucine, which is neutral and non-polar, with phenylalanine, which is neutral and non-polar, at codon 2716 of the SYNE2 protein (p.Leu2716Phe). The frequency data for this variant in the population databases is considered unreliable, as metrics indicate poor data quality at this position in the gnomAD database. This variant has not been reported in the literature in individuals affected with SYNE2-related conditions. ClinVar contains an entry for this variant (Variation ID: 581294). An algorithm developed to predict the effect of missense changes on protein structure and function (PolyPhen-2) suggests that this variant is likely to be disruptive. In summary, the available evidence is currently insufficient to determine the role of this variant in disease. Therefore, it has been classified as a Variant of Uncertain Significance.

Ambry Genetics
Classification: Uncertain significance. Last evaluated: 2024-11-20. Review status: criteria provided, single submitter. Criteria: Ambry Variant Classification Scheme 2023. Collection method: clinical testing. Allele origin: germline.

NM_182914.3(SYNE2):c.8148G>T (p.Leu2716Phe)

Gene: SYNE2 (spectrin repeat containing nuclear envelope protein 2; plus strand). Cytogenetic location: 14q23.2.
Variant type: single nucleotide variant.
Coding change: c.8148G>T on transcript NM_182914.3 (MANE Select); coding-DNA position 8148, G replaced by T.
Protein change: p.Leu2716Phe; replaces leucine 2716 with phenylalanine.
Molecular consequence: missense variant.
Genome position (GRCh38, 1-based): chr14:64,052,061, G>T. VCF-style: chr14-64052061-G-T. GRCh37 (hg19) VCF-style: chr14-64518779-G-T.
Other names: c.8148G>T, p.Leu2716Phe (NM_015180.6); short protein forms L2716F.
Identifiers: ClinVar variation 581294 (VCV000581294.8), dbSNP rs529012269, ClinGen allele CA7221063.
Genomic context (GRCh38, chr14:64,052,061, plus strand): 5'-AAAAGAAAAGAAGAATTTGGAGGATGGAATAAATAACTTGAAGAAACAATGGGAAACATT[G>T]GAGCCATTACACTTAGAAGCAGAAAATCAGATTAAGAAGTGTGACATAAGGAACAAGATG-3'
Protein context (NP_878918.2, residues 2706-2726): INNLKKQWET[Leu2716Phe]EPLHLEAENQ